The following is an entry in ClinVar:

ClinVar aggregate classification (germline): Uncertain significance (1 of 4 stars; one submission).

Submissions (2):

Center for Genomic Medicine, Rigshospitalet, Copenhagen University Hospital
Classification: Uncertain significance. Last evaluated: 2025-03-04. Review status: criteria provided, single submitter. Criteria: ACMG Guidelines, 2015. Collection method: clinical testing. Allele origin: germline.

Brotman Baty Institute, University of Washington
No classification provided (evidence only). Condition: Breast-ovarian cancer, familial 1. Review status: no classification provided. Collection method: in vitro. Allele origin: not applicable. Functional consequence: function_uncertain_variant. Not counted in ClinVar's aggregate classification.
ClinVar note: "not provided" was previously submitted as the classification for the variant. However, the classification appeared to be based only on an observation of functional data so it was converted to no classification on 2025-07-30.

Literature cited by the submitters: PubMed 30209399 (cited by Center for Genomic Medicine, Rigshospitalet, Copenhagen University Hospital).

NM_007294.4(BRCA1):c.5333-12T>G

Gene: BRCA1 (BRCA1 DNA repair associated; minus strand). Cytogenetic location: 17q21.31.
Variant type: single nucleotide variant.
Coding change: c.5333-12T>G on transcript NM_007294.4 (MANE Select); 12 bases into the intron before coding-DNA position 5333, T replaced by G.
Molecular consequence: intron variant.
Genome position (GRCh38, 1-based): chr17:43,049,206, A>C on the plus strand (T>G on the coding strand, the complement: BRCA1 is on the minus strand). VCF-style: chr17-43049206-A-C. GRCh37 (hg19) VCF-style: chr17-41201223-A-C.
Other names: c.1880-12T>G (NM_001408458.1, NM_001408461.1, NM_001408464.1 and 7 more transcripts); c.4442-12T>G (NM_001407967.1); c.4952-12T>G (NM_001407959.1); c.5066-12T>G (NM_001407931.1, NM_001407932.1, NM_001407928.1 and 4 more transcripts); c.5189-12T>G (NM_001407747.1, NM_001407745.1, NM_001407737.1 and 18 more transcripts); c.4949-12T>G (NM_001407962.1, NM_001407960.1); c.1520-12T>G (NM_001408512.1); c.1643-12T>G (NM_001408510.1); and 84 more.
Identifiers: ClinVar variation 865342 (VCV000865342.5), dbSNP rs1170399168, ClinGen allele CA916080903.